The following is an entry in ClinVar:

ClinVar aggregate classification (germline): Pathogenic (1 of 4 stars; one submission).

Submission:

Labcorp Genetics (formerly Invitae), Labcorp
Classification: Pathogenic. Last evaluated: 2023-12-19. Review status: criteria provided, single submitter. Criteria: Invitae Variant Classification Sherloc (09022015). Collection method: clinical testing. Allele origin: germline.
Comment: This sequence change creates a premature translational stop signal (p.Pro6Argfs*5) in the ZNF469 gene. It is expected to result in an absent or disrupted protein product. Loss-of-function variants in ZNF469 are known to be pathogenic (PMID: 23642083, 23680354). This variant is not present in population databases (gnomAD no frequency). This variant has not been reported in the literature in individuals affected with ZNF469-related conditions. For these reasons, this variant has been classified as Pathogenic.

Literature cited by the submitters: PubMed 23642083; PubMed 23680354.

NM_001367624.2(ZNF469):c.17_29del (p.Pro6fs)

Gene: ZNF469 (zinc finger protein 469; plus strand). Cytogenetic location: 16q24.2.
Variant type: Deletion.
Coding change: c.17_29del on transcript NM_001367624.2 (MANE Select); coding-DNA positions 17 to 29, 13 bases deleted (CCCGAGGAGCGCC).
Protein change: p.Pro6fs; shifts the reading frame from proline 6.
Molecular consequence: frameshift variant.
Genome position (GRCh38, 1-based): chr16:88,427,487-88,427,499, CCCGAGGAGCGCC deleted; deleting any 13 consecutive bases within chr16:88,427,479-88,427,499 gives the same sequence; the c. name uses the placement nearest the transcript's 3' end. VCF-style (leftmost placement, unchanged base first): chr16-88427478-GGGAGCGCCCCCGA-G. GRCh37 (hg19) VCF-style: chr16-88493886-GGGAGCGCCCCCGA-G.
Other names: short protein forms P6fs.
Identifiers: ClinVar variation 2704174 (VCV002704174.3), dbSNP rs2507569825, ClinGen allele CA2697556085.